The following is an entry in ClinVar:

ClinVar aggregate classification (germline): Conflicting classifications of pathogenicity. Review status: criteria provided, conflicting classifications (1 of 4 stars). 2 submissions from 2 submitters: Uncertain significance (1); Likely benign (1). Last evaluated 2023-03-23.

Conditions:
Hereditary cancer-predisposing syndrome. Also called: Hereditary Cancer Syndrome; Hereditary neoplastic syndrome; Neoplastic Syndromes, Hereditary; Tumor predisposition. Identifiers: Orphanet 140162, MedGen C0027672, MeSH D009386, MONDO:0015356.

Submissions (2):

University of Washington Department of Laboratory Medicine, University of Washington
Classification: Likely benign for Hereditary cancer-predisposing syndrome. Last evaluated: 2023-03-23. Review status: criteria provided, single submitter. Criteria: Dines et al. (Genet Med. 2020). Collection method: curation. Allele origin: germline.
Comment: Missense variant in a coldspot region where missense variants are very unlikely to be pathogenic (PMID:31911673).

BRCA2 exon 10 coldspot. Reclassification based on statistical prior probability.

Ambry Genetics
Classification: Uncertain significance for Hereditary cancer-predisposing syndrome. Last evaluated: 2022-10-11. Review status: criteria provided, single submitter. Criteria: Ambry Variant Classification Scheme 2023. Collection method: clinical testing. Allele origin: germline.
Comment: The p.K503R variant (also known as c.1508A>G), located in coding exon 9 of the BRCA2 gene, results from an A to G substitution at nucleotide position 1508. The lysine at codon 503 is replaced by arginine, an amino acid with highly similar properties. This amino acid position is conserved. In addition, this alteration is predicted to be tolerated by in silico analysis. Since supporting evidence is limited at this time, the clinical significance of this alteration remains unclear.

NM_000059.4(BRCA2):c.1508A>G (p.Lys503Arg)

Gene: BRCA2 (BRCA2 DNA repair associated; plus strand). Cytogenetic location: 13q13.1.
Variant type: single nucleotide variant.
Coding change: c.1508A>G on transcript NM_000059.4 (MANE Select); coding-DNA position 1508, A replaced by G.
Protein change: p.Lys503Arg; replaces lysine 503 with arginine.
Molecular consequence: missense variant.
Genome position (GRCh38, 1-based): chr13:32,332,986, A>G. VCF-style: chr13-32332986-A-G. GRCh37 (hg19) VCF-style: chr13-32907123-A-G.
Other names: c.1508A>G, p.Lys503Arg (NM_001406719.1, NM_001406720.1, NM_001406721.1); short protein forms K503R.
Identifiers: ClinVar variation 1774118 (VCV001774118.4), dbSNP rs1593893082, ClinGen allele CA387764514.